The following is an entry in ClinVar:

NM_001006658.3(CR2):c.1559G>C (p.Arg520Pro)

Gene: CR2 (complement C3d receptor 2; plus strand). Cytogenetic location: 1q32.2.
Variant type: single nucleotide variant.
Coding change: c.1559G>C on transcript NM_001006658.3 (MANE Select); coding-DNA position 1559, G replaced by C.
Protein change: p.Arg520Pro; replaces arginine 520 with proline.
Molecular consequence: missense variant.
Genome position (GRCh38, 1-based): chr1:207,471,488, G>C. VCF-style: chr1-207471488-G-C. GRCh37 (hg19) VCF-style: chr1-207644833-G-C.
Other names: c.1559G>C, p.Arg520Pro (NM_001877.5); short protein forms R520P.
Identifiers: ClinVar variation 1914779 (VCV001914779.9), dbSNP rs772909129, ClinGen allele CA344531751.

ClinVar aggregate classification (germline): Uncertain significance. Review status: criteria provided, multiple submitters, no conflicts (2 of 4 stars). 2 submissions from 2 submitters: Uncertain significance (2). Last evaluated 2025-04-01.

Conditions:
Immunodeficiency, common variable, 7. Identifiers: Orphanet 1572, Orphanet 696894, MedGen C3542922, MONDO:0013862, OMIM 614699.

Submissions (2):

CeGaT Center for Human Genetics Tuebingen
Classification: Uncertain significance. Last evaluated: 2025-04-01. Review status: criteria provided, single submitter. Criteria: CeGaT Center For Human Genetics Tuebingen Variant Classification Criteria Version 2. Collection method: clinical testing. Allele origin: germline. Affected: yes. Observed: 1 variant allele.
Comment: CR2: PM2, BP4

Labcorp Genetics (formerly Invitae), Labcorp
Classification: Uncertain significance for Immunodeficiency, common variable, 7. Last evaluated: 2022-08-19. Review status: criteria provided, single submitter. Criteria: Invitae Variant Classification Sherloc (09022015). Collection method: clinical testing. Allele origin: germline.
Comment: This sequence change replaces arginine, which is basic and polar, with proline, which is neutral and non-polar, at codon 520 of the CR2 protein (p.Arg520Pro). This variant is not present in population databases (gnomAD no frequency). This variant has not been reported in the literature in individuals affected with CR2-related conditions. Algorithms developed to predict the effect of missense changes on protein structure and function (SIFT, PolyPhen-2, Align-GVGD) all suggest that this variant is likely to be tolerated. In summary, the available evidence is currently insufficient to determine the role of this variant in disease. Therefore, it has been classified as a Variant of Uncertain Significance.